The following is an entry in ClinVar:

NM_001348484.3(RIMS2):c.1233G>A (p.Arg411=)

Gene: RIMS2 (regulating synaptic membrane exocytosis 2; plus strand). Cytogenetic location: 8q22.3.
Variant type: single nucleotide variant.
Coding change: c.1233G>A on transcript NM_001348484.3 (MANE Select); coding-DNA position 1233, G replaced by A.
Protein change: p.Arg411=; no amino-acid change (arginine 411 retained).
Molecular consequence: synonymous variant. On other transcripts: non-coding transcript variant (2).
Genome position (GRCh38, 1-based): chr8:103,885,700, G>A. VCF-style: chr8-103885700-G-A. GRCh37 (hg19) VCF-style: chr8-104897928-G-A.
Other names: c.525G>A, p.Arg175= (NM_001348505.2, NM_001348506.2, NM_001348507.2 and 11 more transcripts); c.1113G>A, p.Arg371= (NM_001395652.1, NM_001348486.2, NM_001348487.2 and 3 more transcripts); c.1233G>A, p.Arg411= (NM_001395653.1, NM_001395654.1, NM_001348488.2); c.1101G>A, p.Arg367= (NM_001100117.3, NM_001348485.2, NM_001348489.2 and 3 more transcripts); c.1221G>A, p.Arg407= (NM_001348491.2); c.1143G>A, p.Arg381= (NM_001348495.2).
Identifiers: ClinVar variation 711041 (VCV000711041.31), dbSNP rs202004651, ClinGen allele CA4836588.

ClinVar aggregate classification (germline): Benign/Likely benign. Review status: criteria provided, multiple submitters, no conflicts (2 of 4 stars). 4 submissions from 4 submitters: Benign (2); Likely benign (2). Last evaluated 2024-11-14.

Allele frequency attached by ClinVar (database versions not stated): 1000 Genomes Project 0.00080; 1000 Genomes Project 30x 0.00094; gnomAD 0.00188; ESP Exome Variant Server 0.00261; TOPMed 0.00279.
gnomAD v4.1: 6,388 of 1,613,030 alleles (0.4%); highest among the groups gnomAD compares: Non-Finnish European, 0.47%; 23 homozygotes.

Submissions (4):

Blueprint Genetics
Classification: Likely benign. Last evaluated: 2024-11-14. Review status: criteria provided, single submitter. Criteria: ACMG Guidelines, 2015. Collection method: clinical testing. Allele origin: germline.

CeGaT Center for Human Genetics Tuebingen
Classification: Likely benign. Last evaluated: 2022-10-01. Review status: criteria provided, single submitter. Criteria: CeGaT Center For Human Genetics Tuebingen Variant Classification Criteria Version 2. Collection method: clinical testing. Allele origin: germline. Affected: yes. Observed: 1 variant allele.
Comment: RIMS2: BP4, BP7

Labcorp Genetics (formerly Invitae), Labcorp
Classification: Benign. Last evaluated: 2019-12-31. Review status: criteria provided, single submitter. Criteria: Invitae Variant Classification Sherloc (09022015). Collection method: clinical testing. Allele origin: germline.

Breakthrough Genomics
Classification: Benign. Review status: criteria provided, single submitter. Criteria: ACMG Guidelines, 2015. Collection method: not provided. Allele origin: germline. Inheritance: Autosomal recessive inheritance. Affected: yes.